The following is an entry in ClinVar:

NM_002281.4(KRT81):c.1204G>A (p.Glu402Lys)

Genes: KRT81 (keratin 81; minus strand), KRT86 (keratin 86; plus strand). Cytogenetic location: 12q13.13.
Variant type: single nucleotide variant.
Coding change: c.1204G>A on transcript NM_002281.4 (MANE Select); coding-DNA position 1204, G replaced by A.
Protein change: p.Glu402Lys; replaces glutamic acid 402 with lysine.
Molecular consequence: missense variant. On other transcripts: intron variant (1).
Genome position (GRCh38, 1-based): chr12:52,287,145, C>T on the plus strand (G>A on the coding strand, the complement: KRT81 is on the minus strand). VCF-style: chr12-52287145-C-T. GRCh37 (hg19) VCF-style: chr12-52680929-C-T.
Other names: c.-5+11199C>T (NM_001320198.2); short protein forms E402K.
Identifiers: ClinVar variation 7502 (VCV000007502.4), dbSNP rs56821304, ClinGen allele CA118851.

ClinVar aggregate classification (germline): Likely pathogenic. Review status: criteria provided, single submitter (1 of 4 stars). 3 submissions from 3 submitters: Likely pathogenic (1). 2 of the submissions do not count toward it. Last evaluated 2026-06-14.

Conditions:
Monilethrix-2. Identifiers: MedGen C6012713, MONDO:0700341, OMIM 621169.

gnomAD v4.1: 3 of 1,613,490 alleles (0.00019%); highest among the groups gnomAD compares: Non-Finnish European, 0.00025%; no homozygotes.

Submissions (3):

GeneDx
Classification: Likely pathogenic. Last evaluated: 2026-06-14. Review status: criteria provided, single submitter. Criteria: GeneDx Variant Classification Process June 2021. Collection method: clinical testing. Allele origin: germline.
Comment: Observed in multiple unrelated patients from different ethnic backgrounds with clinical features consistent with a KRT81-related disorder referred for genetic testing at GeneDx and in published literature (PMID: 36382623, 9665406); Located in a region intolerant to change; Not observed at significant frequency in large population cohorts (gnomAD); In silico analysis supports that this missense variant has a deleterious effect on protein structure/function; This variant is associated with the following publications: (PMID: 28299823, 9665406, 36382623)

OMIM
Classification: Pathogenic for MONILETHRIX 2. Last evaluated: 1998-07-01. Review status: no assertion criteria provided. Collection method: literature only. Allele origin: germline. Not counted in ClinVar's aggregate classification.

Epithelial Biology;  Institute of Medical Biology, Singapore
No classification provided. Review status: no classification provided. Collection method: not provided. Allele origin: not provided. Not counted in ClinVar's aggregate classification.

Literature cited by the submitters: PubMed 9665406 (cited by OMIM).